The following is an entry in ClinVar:

NM_152296.5(ATP1A3):c.1499C>G (p.Ala500Gly)

Gene: ATP1A3 (ATPase Na+/K+ transporting subunit alpha 3; minus strand). Cytogenetic location: 19q13.2.
Variant type: single nucleotide variant.
Coding change: c.1499C>G on transcript NM_152296.5 (MANE Select); coding-DNA position 1499, C replaced by G.
Protein change: p.Ala500Gly; replaces alanine 500 with glycine.
Molecular consequence: missense variant.
Genome position (GRCh38, 1-based): chr19:41,978,737, G>C on the plus strand (C>G on the coding strand, the complement: ATP1A3 is on the minus strand). VCF-style: chr19-41978737-G-C. GRCh37 (hg19) VCF-style: chr19-42482889-G-C.
Other names: c.1532C>G, p.Ala511Gly (NM_001256213.2); c.1538C>G, p.Ala513Gly (NM_001256214.2); short protein forms A500G, A511G, A513G.
Identifiers: ClinVar variation 2826421 (VCV002826421.3), dbSNP rs2514056690, ClinGen allele CA406047227.

ClinVar aggregate classification (germline): Uncertain significance (1 of 4 stars; one submission).

Conditions:
Dystonia 12 (DYT12). Also called: DYT-ATP1A3; Rapid-Onset Dystonia-Parkinsonism (RDP). Identifiers: Orphanet 71517, MedGen C1868681, MONDO:0007496, OMIM 128235.

Submission:

Labcorp Genetics (formerly Invitae), Labcorp
Classification: Uncertain significance for Dystonia 12. Last evaluated: 2023-01-15. Review status: criteria provided, single submitter. Criteria: Invitae Variant Classification Sherloc (09022015). Collection method: clinical testing. Allele origin: germline.
Comment: In summary, the available evidence is currently insufficient to determine the role of this variant in disease. Therefore, it has been classified as a Variant of Uncertain Significance. Advanced modeling of protein sequence and biophysical properties (such as structural, functional, and spatial information, amino acid conservation, physicochemical variation, residue mobility, and thermodynamic stability) performed at Invitae indicates that this missense variant is expected to disrupt ATP1A3 protein function. This variant has not been reported in the literature in individuals affected with ATP1A3-related conditions. This variant is not present in population databases (gnomAD no frequency). This sequence change replaces alanine, which is neutral and non-polar, with glycine, which is neutral and non-polar, at codon 500 of the ATP1A3 protein (p.Ala500Gly).